The following is an entry in ClinVar:

NM_001165963.4(SCN1A):c.4002+2109T>C

Genes: SCN1A (sodium voltage-gated channel alpha subunit 1; minus strand), LOC102724058 (uncharacterized LOC102724058; plus strand). Cytogenetic location: 2q24.3.
Variant type: single nucleotide variant.
Coding change: c.4002+2109T>C on transcript NM_001165963.4 (MANE Select); 2109 bases into the intron after coding-DNA position 4002, T replaced by C.
Molecular consequence: intron variant.
Genome position (GRCh38, 1-based): chr2:166,007,610, A>G on the plus strand (T>C on the coding strand, the complement: SCN1A is on the minus strand). VCF-style: chr2-166007610-A-G. GRCh37 (hg19) VCF-style: chr2-166864120-A-G.
Other names: c.3969+2109T>C (NM_001353949.2, NM_001353950.2, NM_001353951.2 and 2 more transcripts); c.3918+2109T>C (NM_001353958.2, NM_001353957.2, NM_001165964.3); c.4002+2109T>C (NM_001202435.3, NM_001353948.2); c.3966+2109T>C (NM_001353955.2, NM_001353954.2); c.3915+2109T>C (NM_001353960.2); c.1560+2109T>C (NM_001353961.2).
Identifiers: ClinVar variation 2873136 (VCV002873136.3), dbSNP rs1691830771, ClinGen allele CA1038836679.

ClinVar aggregate classification (germline): Uncertain significance (1 of 4 stars; one submission).

Conditions:
Early-infantile DEE. Also called: Ohtahara syndrome; Early infantile epileptic encephalopathy; Early infantile epileptic encephalopathy with suppression bursts. Identifiers: Orphanet 1934, MedGen C0393706, MONDO:0800491.

Allele frequency attached by ClinVar (database versions not stated): gnomAD 0.00001; TOPMed 0.00001.
gnomAD v4.1: 1 of 151,430 alleles (0.00066%); highest among the groups gnomAD compares: Admixed American, 0.0066%; no homozygotes.

Submission:

Labcorp Genetics (formerly Invitae), Labcorp
Classification: Uncertain significance for Early-infantile DEE. Last evaluated: 2025-10-27. Review status: criteria provided, single submitter. Criteria: Invitae Variant Classification Sherloc (09022015). Collection method: clinical testing. Allele origin: germline.
Comment: This sequence change falls in intron 20 of the SCN1A gene. It does not directly change the encoded amino acid sequence of the SCN1A protein. However, this sequence change falls within a region encompassing a cryptic exon in the SCN1A gene, in which variants have been shown to alter splicing (PMID: 30526861, 34107977). This variant is not present in population databases (gnomAD no frequency). This variant has not been reported in the literature in individuals affected with SCN1A-related conditions. ClinVar contains an entry for this variant (Variation ID: 2873136). Algorithms developed to predict the effect of sequence changes on RNA splicing suggest that this variant is not likely to affect RNA splicing. In summary, the available evidence is currently insufficient to determine the role of this variant in disease. Therefore, it has been classified as a Variant of Uncertain Significance.

Literature cited by the submitters: PubMed 30526861; PubMed 34107977.